The following is an entry in ClinVar:

NM_003738.5(PTCH2):c.2212G>A (p.Glu738Lys)

Gene: PTCH2 (patched 2; minus strand). Cytogenetic location: 1p34.1.
Variant type: single nucleotide variant.
Coding change: c.2212G>A on transcript NM_003738.5 (MANE Select); coding-DNA position 2212, G replaced by A.
Protein change: p.Glu738Lys; replaces glutamic acid 738 with lysine.
Molecular consequence: missense variant.
Genome position (GRCh38, 1-based): chr1:44,827,561, C>T on the plus strand (G>A on the coding strand, the complement: PTCH2 is on the minus strand). VCF-style: chr1-44827561-C-T. GRCh37 (hg19) VCF-style: chr1-45293233-C-T.
Other names: c.2212G>A, p.Glu738Lys (NM_001166292.2); short protein forms E738K.
Identifiers: ClinVar variation 1017312 (VCV001017312.10), dbSNP rs772919434, ClinGen allele CA823078.

ClinVar aggregate classification (germline): Uncertain significance. Review status: criteria provided, multiple submitters, no conflicts (2 of 4 stars). 2 submissions from 2 submitters: Uncertain significance (2). Last evaluated 2025-11-09.

Conditions:
Gorlin syndrome. Also called: Nevoid Basal Cell Carcinoma Syndrome; Basal cell nevus syndrome. Identifiers: Orphanet 377, MedGen C0004779, MONDO:0007187.

Allele frequency attached by ClinVar (database versions not stated): gnomAD 0.00001; TOPMed 0.00001; ExAC 0.00002; gnomAD exomes 0.00002.
gnomAD v4.1: 24 of 1,614,026 alleles (0.0015%); highest among the groups gnomAD compares: Admixed American, 0.01%; no homozygotes.

Submissions (2):

Labcorp Genetics (formerly Invitae), Labcorp
Classification: Uncertain significance for Gorlin syndrome. Last evaluated: 2025-11-09. Review status: criteria provided, single submitter. Criteria: Invitae Variant Classification Sherloc (09022015). Collection method: clinical testing. Allele origin: germline.
Comment: This sequence change replaces glutamic acid, which is acidic and polar, with lysine, which is basic and polar, at codon 738 of the PTCH2 protein (p.Glu738Lys). This variant is present in population databases (rs772919434, gnomAD 0.01%). This variant has not been reported in the literature in individuals affected with PTCH2-related conditions. ClinVar contains an entry for this variant (Variation ID: 1017312). Invitae Evidence Modeling of protein sequence and biophysical properties (such as structural, functional, and spatial information, amino acid conservation, physicochemical variation, residue mobility, and thermodynamic stability) has been performed for this missense variant. However, the output from this modeling did not meet the statistical confidence thresholds required to predict the impact of this variant on PTCH2 protein function. In summary, the available evidence is currently insufficient to determine the role of this variant in disease. Therefore, it has been classified as a Variant of Uncertain Significance.

Baylor Genetics
Classification: Uncertain significance for Basal cell nevus syndrome 1. Last evaluated: 2021-01-13. Review status: criteria provided, single submitter. Criteria: ACMG Guidelines, 2015. Collection method: clinical testing. Allele origin: unknown. Affected: yes. Study: CSER-TexasKidsCanSeq.
Comment: This variant was determined to be of uncertain significance according to ACMG Guidelines, 2015 [PMID:25741868].